The following is an entry in ClinVar:

NM_001267550.2(TTN):c.55750A>G (p.Ile18584Val)

Genes: TTN (titin; minus strand), TTN-AS1 (TTN antisense RNA 1; plus strand). Cytogenetic location: 2q31.2.
Variant type: single nucleotide variant.
Coding change: c.55750A>G on transcript NM_001267550.2 (MANE Select); coding-DNA position 55750, A replaced by G.
Protein change: p.Ile18584Val; replaces isoleucine 18584 with valine.
Molecular consequence: missense variant.
Genome position (GRCh38, 1-based): chr2:178,601,154, T>C on the plus strand (A>G on the coding strand, the complement: TTN is on the minus strand). VCF-style: chr2-178601154-T-C. GRCh37 (hg19) VCF-style: chr2-179465881-T-C.
Other names: c.50827A>G, p.Ile16943Val (NM_001256850.1); c.28555A>G, p.Ile9519Val (NM_003319.4); c.48046A>G, p.Ile16016Val (NM_133378.4); c.28930A>G, p.Ile9644Val (NM_133432.3); c.29131A>G, p.Ile9711Val (NM_133437.4); short protein forms I16943V, I18584V, I9711V, I16016V, I9519V, I9644V.
Identifiers: ClinVar variation 513573 (VCV000513573.1), dbSNP rs760979964, ClinGen allele CA1993389.

ClinVar aggregate classification (germline): Likely benign (1 of 4 stars; one submission).

Allele frequency attached by ClinVar (database versions not stated): gnomAD exomes 0.00001; ExAC 0.00002.
gnomAD v4.1: 7 of 1,541,126 alleles (0.00045%); highest among the groups gnomAD compares: East Asian, 0.0045%; no homozygotes.

Submission:

GeneDx
Classification: Likely benign. Last evaluated: 2017-11-15. Review status: criteria provided, single submitter. Criteria: GeneDx Variant Classification (06012015). Collection method: clinical testing. Allele origin: germline. Affected: yes.
Comment: This variant is considered likely benign or benign based on one or more of the following criteria: it is a conservative change, it occurs at a poorly conserved position in the protein, it is predicted to be benign by multiple in silico algorithms, and/or has population frequency not consistent with disease.